The following is an entry in ClinVar:

NM_000260.4(MYO7A):c.4887G>T (p.Lys1629Asn)

Gene: MYO7A (myosin VIIA; plus strand). Cytogenetic location: 11q13.5.
Variant type: single nucleotide variant.
Coding change: c.4887G>T on transcript NM_000260.4 (MANE Select); coding-DNA position 4887, G replaced by T.
Protein change: p.Lys1629Asn; replaces lysine 1629 with asparagine.
Molecular consequence: missense variant.
Genome position (GRCh38, 1-based): chr11:77,201,482, G>T. VCF-style: chr11-77201482-G-T. GRCh37 (hg19) VCF-style: chr11-76912527-G-T.
Other names: c.4773G>T, p.Lys1591Asn (NM_001127180.2); c.4740G>T, p.Lys1580Asn (NM_001369365.1); short protein forms K1580N, K1591N, K1629N.
Identifiers: ClinVar variation 3618317 (VCV003618317.2).
Genomic context (GRCh38, chr11:77,201,482, plus strand): 5'-TGGTCCCACTCACCTCTGCTCTACAGCAGGCGAGGAGTCAGGCTTCCTCAGCTTTGCCAA[G>T]GGAGACCTCATCATCCTGGACCATGACACGGGCGAGCAGGTCATGAACTCGGGCTGGGCC-3'
Protein context (NP_000251.3, residues 1619-1639): GEESGFLSFA[Lys1629Asn]GDLIILDHDT

ClinVar aggregate classification (germline): Uncertain significance (1 of 4 stars; one submission).

gnomAD v4.1: 2 of 1,613,810 alleles (0.00012%); highest among the groups gnomAD compares: African/African-American, 0.0027%; no homozygotes.

Submission:

Labcorp Genetics (formerly Invitae), Labcorp
Classification: Uncertain significance. Last evaluated: 2024-09-14. Review status: criteria provided, single submitter. Criteria: Invitae Variant Classification Sherloc (09022015). Collection method: clinical testing. Allele origin: germline.
Comment: This sequence change replaces lysine, which is basic and polar, with asparagine, which is neutral and polar, at codon 1629 of the MYO7A protein (p.Lys1629Asn). The frequency data for this variant in the population databases is considered unreliable, as metrics indicate poor data quality at this position in the gnomAD database. This variant has not been reported in the literature in individuals affected with MYO7A-related conditions. Invitae Evidence Modeling of protein sequence and biophysical properties (such as structural, functional, and spatial information, amino acid conservation, physicochemical variation, residue mobility, and thermodynamic stability) indicates that this missense variant is not expected to disrupt MYO7A protein function with a negative predictive value of 95%. In summary, the available evidence is currently insufficient to determine the role of this variant in disease. Therefore, it has been classified as a Variant of Uncertain Significance.